The following is an entry in ClinVar:

NM_016222.4(DDX41):c.914A>C (p.Glu305Ala)

Gene: DDX41 (DEAD-box helicase 41; minus strand). Cytogenetic location: 5q35.3.
Variant type: single nucleotide variant.
Coding change: c.914A>C on transcript NM_016222.4 (MANE Select); coding-DNA position 914, A replaced by C.
Protein change: p.Glu305Ala; replaces glutamic acid 305 with alanine.
Molecular consequence: missense variant.
Genome position (GRCh38, 1-based): chr5:177,514,722, T>G on the plus strand (A>C on the coding strand, the complement: DDX41 is on the minus strand). VCF-style: chr5-177514722-T-G. GRCh37 (hg19) VCF-style: chr5-176941723-T-G.
Other names: c.536A>C, p.Glu179Ala (NM_001321732.2, NM_001321830.2); short protein forms E305A, E179A.
Identifiers: ClinVar variation 4238832 (VCV004238832.1).

ClinVar aggregate classification (germline): Uncertain significance (1 of 4 stars; one submission).

Conditions:
Inborn genetic diseases. Identifiers: MedGen C0950123, MeSH D030342.

Submission:

Ambry Genetics
Classification: Uncertain significance for Inborn genetic diseases. Last evaluated: 2025-09-11. Review status: criteria provided, single submitter. Criteria: Ambry Variant Classification Scheme 2023. Collection method: clinical testing. Allele origin: germline.
Comment: The p.E305A variant (also known as c.914A>C), located in coding exon 9 of the DDX41 gene, results from an A to C substitution at nucleotide position 914. The glutamic acid at codon 305 is replaced by alanine, an amino acid with dissimilar properties. This amino acid position is conserved. In addition, this alteration is predicted to be tolerated by in silico analysis. Based on the available evidence, the clinical significance of this variant remains unclear.